The following is an entry in ClinVar:

ClinVar aggregate classification (germline): Likely benign (1 of 4 stars; one submission).

Submission:

GeneDx
Classification: Likely benign. Last evaluated: 2022-02-27. Review status: criteria provided, single submitter. Criteria: GeneDx Variant Classification Process June 2021. Collection method: clinical testing. Allele origin: germline. Affected: yes.
Comment: See Variant Classification Assertion Criteria.

NM_001349253.2(SCN11A):c.267+30G>C

Gene: SCN11A (sodium voltage-gated channel alpha subunit 11; minus strand). Cytogenetic location: 3p22.2.
Variant type: single nucleotide variant.
Coding change: c.267+30G>C on transcript NM_001349253.2 (MANE Select); 30 bases into the intron after coding-DNA position 267, G replaced by C.
Molecular consequence: intron variant.
Genome position (GRCh38, 1-based): chr3:38,950,066, C>G on the plus strand (G>C on the coding strand, the complement: SCN11A is on the minus strand). VCF-style: chr3-38950066-C-G. GRCh37 (hg19) VCF-style: chr3-38991557-C-G.
Other names: c.267+30G>C (NM_014139.3).
Identifiers: ClinVar variation 1703383 (VCV001703383.2), dbSNP rs1203413376, ClinGen allele CA542616181.